The following is an entry in ClinVar:

ClinVar aggregate classification (germline): Uncertain significance (1 of 4 stars; one submission).

Conditions:
Autosomal dominant limb-girdle muscular dystrophy type 1G (LGMDD3). Also called: MUSCULAR DYSTROPHY, LIMB-GIRDLE, AUTOSOMAL DOMINANT 3; Limb-girdle muscular dystrophy, type 1G. Identifiers: Orphanet 55596, MedGen C1836765, MONDO:0012193, OMIM 609115.

Submission:

Labcorp Genetics (formerly Invitae), Labcorp
Classification: Uncertain significance for Autosomal dominant limb-girdle muscular dystrophy type 1G. Last evaluated: 2022-07-12. Review status: criteria provided, single submitter. Criteria: Invitae Variant Classification Sherloc (09022015). Collection method: clinical testing. Allele origin: germline.
Comment: In summary, the available evidence is currently insufficient to determine the role of this variant in disease. Therefore, it has been classified as a Variant of Uncertain Significance. Algorithms developed to predict the effect of missense changes on protein structure and function (SIFT, PolyPhen-2, Align-GVGD) all suggest that this variant is likely to be disruptive. ClinVar contains an entry for this variant (Variation ID: 1389425). This variant has not been reported in the literature in individuals affected with HNRNPDL-related conditions. This variant is not present in population databases (gnomAD no frequency). This sequence change replaces glycine, which is neutral and non-polar, with valine, which is neutral and non-polar, at codon 381 of the HNRNPDL protein (p.Gly381Val).

NM_031372.4(HNRNPDL):c.1142G>T (p.Gly381Val)

Gene: HNRNPDL (heterogeneous nuclear ribonucleoprotein D like; minus strand). Cytogenetic location: 4q21.22.
Variant type: single nucleotide variant.
Coding change: c.1142G>T on transcript NM_031372.4 (MANE Select); coding-DNA position 1142, G replaced by T.
Protein change: p.Gly381Val; replaces glycine 381 with valine.
Molecular consequence: missense variant. On other transcripts: non-coding transcript variant (1), intron variant (1).
Genome position (GRCh38, 1-based): chr4:82,426,513, C>A on the plus strand (G>T on the coding strand, the complement: HNRNPDL is on the minus strand). VCF-style: chr4-82426513-C-A. GRCh37 (hg19) VCF-style: chr4-83347666-C-A.
Other names: c.1022-384G>T (NM_001207000.1); short protein forms G381V.
Identifiers: ClinVar variation 1389425 (VCV001389425.6), dbSNP rs1252772271, ClinGen allele CA357168606.